The following is an entry in ClinVar:

NM_005859.5(PURA):c.307_308dup (p.Met104fs)

Gene: PURA (purine rich element binding protein A; plus strand). Cytogenetic location: 5q31.3.
Variant type: Microsatellite.
Coding change: c.307_308dup on transcript NM_005859.5 (MANE Select); coding-DNA positions 307 to 308, 2 bases duplicated (TC; older notation c.307_308dupTC).
Protein change: p.Met104fs; shifts the reading frame from methionine 104.
Molecular consequence: frameshift variant.
Genome position (GRCh38, 1-based): chr5:140,114,488-140,114,489, TC duplicated; duplicating any 2 consecutive bases within chr5:140,114,483-140,114,489 gives the same sequence; the c. name uses the placement nearest the transcript's 3' end. VCF-style (leftmost placement, unchanged base first): chr5-140114482-A-ACT. GRCh37 (hg19) VCF-style: chr5-139494067-A-ACT.
Other names: short protein forms M104fs.
Identifiers: ClinVar variation 419325 (VCV000419325.1), dbSNP rs587782992, ClinGen allele CA16618126.

ClinVar aggregate classification (germline): Pathogenic (1 of 4 stars; one submission).

Submission:

GeneDx
Classification: Pathogenic. Last evaluated: 2015-06-22. Review status: criteria provided, single submitter. Criteria: GeneDx Variant Classification (06012015). Collection method: clinical testing. Allele origin: germline. Affected: yes.
Comment: The c.307_308dupTC duplication in the PURA gene has not been reported previously as a pathogenic variant nor as a benign polymorphism, to our knowledge. The c.307_308dupTC duplication causes aframeshift starting with codon Methionine 104, changes this amino acid to a Proline residue, and creates apremature Stop codon at position 122 of the new reading frame, denoted p.Met104ProfsX122. Thisduplication is predicted to cause loss of normal protein function through protein truncation. Thec.307_308dupTC variant was not observed in approximately 6500 individuals of European and AfricanAmerican ancestry in the NHLBI Exome Sequencing Project, indicating it is not a common benign variantin these populations. We interpret c.307_308dupTC as a pathogenic variant.